The following is an entry in ClinVar:

NM_018896.5(CACNA1G):c.2416C>G (p.Pro806Ala)

Gene: CACNA1G (calcium voltage-gated channel subunit alpha1 G; plus strand). Cytogenetic location: 17q21.33.
Variant type: single nucleotide variant.
Coding change: c.2416C>G on transcript NM_018896.5 (MANE Select); coding-DNA position 2416, C replaced by G.
Protein change: p.Pro806Ala; replaces proline 806 with alanine.
Molecular consequence: missense variant. On other transcripts: non-coding transcript variant (5).
Genome position (GRCh38, 1-based): chr17:50,590,585, C>G. VCF-style: chr17-50590585-C-G. GRCh37 (hg19) VCF-style: chr17-48667946-C-G.
Other names: c.2416C>G, p.Pro806Ala (NM_001256324.2, NM_001256325.2, NM_001256326.2 and 24 more transcripts); short protein forms P806A.
Identifiers: ClinVar variation 2877698 (VCV002877698.3), dbSNP rs1356348818, ClinGen allele CA400248055.

ClinVar aggregate classification (germline): Uncertain significance (1 of 4 stars; one submission).

Allele frequency attached by ClinVar (database versions not stated): gnomAD exomes below 0.00001.
gnomAD v4.1: 1 of 1,613,978 alleles (0.000062%); highest among the groups gnomAD compares: Non-Finnish European, 0.000085%; no homozygotes.

Submission:

Labcorp Genetics (formerly Invitae), Labcorp
Classification: Uncertain significance. Last evaluated: 2023-07-29. Review status: criteria provided, single submitter. Criteria: Invitae Variant Classification Sherloc (09022015). Collection method: clinical testing. Allele origin: germline.
Comment: In summary, the available evidence is currently insufficient to determine the role of this variant in disease. Therefore, it has been classified as a Variant of Uncertain Significance. Advanced modeling of protein sequence and biophysical properties (such as structural, functional, and spatial information, amino acid conservation, physicochemical variation, residue mobility, and thermodynamic stability) has been performed at Invitae for this missense variant, however the output from this modeling did not meet the statistical confidence thresholds required to predict the impact of this variant on CACNA1G protein function. This variant has not been reported in the literature in individuals affected with CACNA1G-related conditions. This variant is present in population databases (no rsID available, gnomAD 0.0009%). This sequence change replaces proline, which is neutral and non-polar, with alanine, which is neutral and non-polar, at codon 806 of the CACNA1G protein (p.Pro806Ala).